The following is an entry in ClinVar:

NM_000476.3(AK1):c.301C>A (p.Gln101Lys)

Genes: AK1 (adenylate kinase 1; minus strand), ST6GALNAC4-ST6GALNAC6-AK1 (ST6GALNAC4-ST6GALNAC6-AK1 readthrough; minus strand). Cytogenetic location: 9q34.11.
Variant type: single nucleotide variant.
Coding change: c.301C>A on transcript NM_000476.3 (MANE Select); coding-DNA position 301, C replaced by A.
Protein change: p.Gln101Lys; replaces glutamine 101 with lysine.
Molecular consequence: missense variant.
Genome position (GRCh38, 1-based): chr9:127,871,846, G>T on the plus strand (C>A on the coding strand, the complement: AK1 is on the minus strand). VCF-style: chr9-127871846-G-T. GRCh37 (hg19) VCF-style: chr9-130634125-G-T.
Other names: c.301C>A, p.Gln101Lys (NM_001318121.1); c.349C>A, p.Gln117Lys (NM_001318122.2); short protein forms Q101K, Q117K.
Identifiers: ClinVar variation 1162194 (VCV001162194.4), dbSNP rs2131401746, ClinGen allele CA374949954.

ClinVar aggregate classification (germline): Pathogenic. Review status: criteria provided, single submitter (1 of 4 stars). 2 submissions from 1 submitter: Pathogenic (1). 1 of the submissions does not count toward it. Last evaluated 2021-04-01.

Conditions:
Hemolytic anemia due to adenylate kinase deficiency (CNSHA3). Also called: ANEMIA, CONGENITAL, NONSPHEROCYTIC HEMOLYTIC, 3. Identifiers: Orphanet 86817, MedGen C2675459, MONDO:0012967, OMIM 612631.
Adenylate kinase deficiency.

Allele frequency attached by ClinVar (database versions not stated): gnomAD exomes below 0.00001.
gnomAD v4.1: 1 of 1,614,078 alleles (0.000062%); highest among the groups gnomAD compares: South Asian, 0.0011%; no homozygotes.

Submissions (2):

Department of Haematogenetics, ICMR National Institute of Immunohaematology
Classification: Pathogenic for Adenylate kinase deficiency. Last evaluated: 2021-04-01. Review status: criteria provided, single submitter. Criteria: ACMG Guidelines, 2015. Collection method: clinical testing. Allele origin: germline. Inheritance: Autosomal recessive inheritance. Affected: yes. Observed: 1 variant allele, 1 homozygote.
Comment: A homozygous missense variation in exon 5 of the AK1 gene and one Indian families has chronic nonspherocytic hemolytic anemia (CNSHA) and severe red blood cell (RBC) adenylate kinase (AK) deficiency that results from the amino acid substitution of Lysine for Glutamine at codon 101 (p.Gln101Lys; ENST00000373176.1) was detected. The p.Gln101Lys variant has not been reported in the 1000 genomes, ExAC and our internal databases. The in silico predictions# of the variant are probably damaging by PolyPhen-2 (HumDiv) and damaging by SIFT, LRT and MutationTaster2. The reference codon is conserved across species. In summary, the p.Gln101Lys variant meets our criteria to be classified as pathogenic

Department of Haematogenetics, ICMR National Institute of Immunohaematology
Classification: Pathogenic for Hemolytic anemia due to adenylate kinase deficiency. Review status: no assertion criteria provided. Criteria: ACMG Guidelines, 2015. Collection method: research. Allele origin: inherited. Affected: yes. Not counted in ClinVar's aggregate classification.